The following is an entry in ClinVar:

ClinVar aggregate classification (germline): Pathogenic (1 of 4 stars; one submission).

Submission:

GeneDx
Classification: Pathogenic. Last evaluated: 2018-03-12. Review status: criteria provided, single submitter. Criteria: GeneDx Variant Classification (06012015). Collection method: clinical testing. Allele origin: germline. Affected: yes.
Comment: The c.3261dupT variant in the NF1 gene has not been reported previously as a pathogenic variant nor as a benign variant, to our knowledge. The c.3261dupT variant causes a frameshift, changing codon Glutamic acid 1088 to a premature Stop codon, denoted p.Glu1088Ter. This variant is predicted to cause loss of normal protein function either through protein truncation or nonsense-mediated mRNA decay. The c.3261dupT variant is not observed in large population cohorts (Lek et al., 2016). We interpret c.3261dupT as a pathogenic variant.

NM_001042492.3(NF1):c.3261dup (p.Glu1088Ter)

Gene: NF1 (neurofibromin 1; plus strand). Cytogenetic location: 17q11.2.
Variant type: Duplication.
Coding change: c.3261dup on transcript NM_001042492.3 (MANE Select); coding-DNA position 3261, one base duplicated (T; older notation c.3261dupT).
Protein change: p.Glu1088Ter; replaces glutamic acid 1088 with a stop codon.
Molecular consequence: nonsense. On other transcripts: frameshift variant (1).
Genome position (GRCh38, 1-based): chr17:31,232,136, T duplicated. VCF-style (leftmost placement, unchanged base first): chr17-31232135-C-CT. GRCh37 (hg19) VCF-style: chr17-29559153-C-CT.
Other names: c.3261dupT (NM_000267.3); c.3261dup, p.Glu1088Terfs (NM_000267.4); short protein forms E1088*.
Identifiers: ClinVar variation 523917 (VCV000523917.2), dbSNP rs1555614851, ClinGen allele CA658798770.